The following is an entry in ClinVar:

ClinVar aggregate classification (germline): Uncertain significance (1 of 4 stars; one submission).

Conditions:
Inborn genetic diseases. Identifiers: MedGen C0950123, MeSH D030342.

Submission:

Ambry Genetics
Classification: Uncertain significance for Inborn genetic diseases. Last evaluated: 2020-03-19. Review status: criteria provided, single submitter. Criteria: Ambry Variant Classification Scheme 2023. Collection method: clinical testing. Allele origin: germline.
Comment: The p.S1687R variant (also known as c.5059A>C), located in coding exon 35 of the SZT2 gene, results from an A to C substitution at nucleotide position 5059. The serine at codon 1687 is replaced by arginine, an amino acid with dissimilar properties. This amino acid position is highly conserved through mammals but not in all available vertebrate species. In addition, the in silico prediction for this alteration is inconclusive. Since supporting evidence is limited at this time, the clinical significance of this alteration remains unclear.

NM_001365999.1(SZT2):c.5230A>C (p.Ser1744Arg)

Gene: SZT2 (SZT2 subunit of KICSTOR complex; plus strand). Cytogenetic location: 1p34.2.
Variant type: single nucleotide variant.
Coding change: c.5230A>C on transcript NM_001365999.1 (MANE Select); coding-DNA position 5230, A replaced by C.
Protein change: p.Ser1744Arg; replaces serine 1744 with arginine.
Molecular consequence: missense variant.
Genome position (GRCh38, 1-based): chr1:43,431,857, A>C. VCF-style: chr1-43431857-A-C. GRCh37 (hg19) VCF-style: chr1-43897528-A-C.
Other names: c.5059A>C, p.Ser1687Arg (NM_015284.4); short protein forms S1744R, S1687R.
Identifiers: ClinVar variation 1745074 (VCV001745074.2), dbSNP rs2545829849, ClinGen allele CA340023662.
Genomic context (GRCh38, chr1:43,431,857, plus strand): 5'-GCTGCCCATATCCATAGTTCTCCTGGACGCTCCACCTGCCTTCGCCAAACTCTGCCACTG[A>C]GTTTTGTATTTGGGCCAGAGCGTTCCCTCACACAATTCAAGGAGGTAAGTTGCCCTCCAA-3'
Protein context (NP_001352928.1, residues 1734-1754): STCLRQTLPL[Ser1744Arg]FVFGPERSLT